The following is an entry in ClinVar:

NM_014049.5(ACAD9):c.633+2T>A

Gene: ACAD9 (acyl-CoA dehydrogenase family member 9; plus strand). Cytogenetic location: 3q21.3.
Variant type: single nucleotide variant.
Coding change: c.633+2T>A on transcript NM_014049.5 (MANE Select); the canonical splice donor site of the intron after coding-DNA position 633, T replaced by A.
Molecular consequence: splice donor variant.
Genome position (GRCh38, 1-based): chr3:128,897,712, T>A. VCF-style: chr3-128897712-T-A. GRCh37 (hg19) VCF-style: chr3-128616555-T-A.
Other names: c.264+2T>A (NM_001410805.1).
Identifiers: ClinVar variation 962409 (VCV000962409.8), dbSNP rs1199523512, ClinGen allele CA354434198.

ClinVar aggregate classification (germline): Likely pathogenic (1 of 4 stars; one submission).

Allele frequency attached by ClinVar (database versions not stated): gnomAD exomes below 0.00001; TOPMed below 0.00001; gnomAD 0.00001.
gnomAD v4.1: 6 of 1,612,732 alleles (0.00037%); highest among the groups gnomAD compares: Non-Finnish European, 0.00051%; no homozygotes.

Submission:

Labcorp Genetics (formerly Invitae), Labcorp
Classification: Likely pathogenic. Last evaluated: 2023-01-13. Review status: criteria provided, single submitter. Criteria: Invitae Variant Classification Sherloc (09022015). Collection method: clinical testing. Allele origin: germline.
Comment: In summary, the currently available evidence indicates that the variant is pathogenic, but additional data are needed to prove that conclusively. Therefore, this variant has been classified as Likely Pathogenic. Algorithms developed to predict the effect of sequence changes on RNA splicing suggest that this variant may disrupt the consensus splice site. ClinVar contains an entry for this variant (Variation ID: 962409). This variant has not been reported in the literature in individuals affected with ACAD9-related conditions. This variant is not present in population databases (gnomAD no frequency). This sequence change affects a donor splice site in intron 6 of the ACAD9 gene. It is expected to disrupt RNA splicing. Variants that disrupt the donor or acceptor splice site typically lead to a loss of protein function (PMID: 16199547), and loss-of-function variants in ACAD9 are known to be pathogenic (PMID: 25721401).

Literature cited by the submitters: PubMed 16199547; PubMed 25721401.